The following is an entry in ClinVar:

NM_005045.4(RELN):c.1893-170A>T

Gene: RELN (reelin; minus strand). Cytogenetic location: 7q22.1.
Variant type: single nucleotide variant.
Coding change: c.1893-170A>T on transcript NM_005045.4 (MANE Select); 170 bases into the intron before coding-DNA position 1893, A replaced by T.
Molecular consequence: intron variant.
Genome position (GRCh38, 1-based): chr7:103,650,553, T>A on the plus strand (A>T on the coding strand, the complement: RELN is on the minus strand). VCF-style: chr7-103650553-T-A. GRCh37 (hg19) VCF-style: chr7-103291000-T-A.
Other names: NC_000007.13:g.103291000T>A; c.1893-170A>T (NM_173054.3).
Identifiers: ClinVar variation 669114 (VCV000669114.2), dbSNP rs55862041, ClinGen allele CA163939252.
Genomic context (GRCh38, chr7:103,650,553, plus strand): 5'-GTTTACCAATAAACTCTTTAAATTCACTTGTGGAATTTGTTTGTATCTTTAAAACAGACA[T>A]ACAATTTGTAAAAACATCCACGGTATGCCAGAGCAATGGATTTGTTATTTTATATTACTT-3'

ClinVar aggregate classification (germline): Benign (1 of 4 stars; one submission).

Allele frequency attached by ClinVar (database versions not stated): 1000 Genomes Project 30x 0.01593; 1000 Genomes Project 0.01657; TOPMed 0.03345; gnomAD 0.03415 and 0.03553.
gnomAD v4.1: 5,252 of 152,238 alleles (3.4%); highest among the groups gnomAD compares: Non-Finnish European, 5.2%; 119 homozygotes.

Submissions (4):

GeneDx
Classification: Benign. Last evaluated: 2018-06-19. Review status: criteria provided, single submitter. Criteria: GeneDx Variant Classification (06012015). Collection method: clinical testing. Allele origin: germline. Affected: yes.
Comment: This variant is considered likely benign or benign based on one or more of the following criteria: it is a conservative change, it occurs at a poorly conserved position in the protein, it is predicted to be benign by multiple in silico algorithms, and/or has population frequency not consistent with disease.

Dr. Peter K. Rogan Lab, Western University
No classification provided (evidence only). Condition: Malignant tumor of esophagus. Review status: no classification provided. Collection method: in vitro. Allele origin: not applicable. Functional consequence: retained intron. Not counted in ClinVar's aggregate classification.

Dr. Peter K. Rogan Lab, Western University
No classification provided (evidence only). Condition: Familial pancreatic carcinoma. Review status: no classification provided. Collection method: in vitro. Allele origin: not applicable. Functional consequence: retained intron. Not counted in ClinVar's aggregate classification.

Dr. Peter K. Rogan Lab, Western University
No classification provided (evidence only). Condition: Familial pancreatic carcinoma. Review status: no classification provided. Collection method: in vitro. Allele origin: not applicable. Functional consequence: retained intron. Not counted in ClinVar's aggregate classification.